The following is an entry in ClinVar:

NM_000073.3(CD3G):c.245G>C (p.Arg82Pro)

Genes: CD3G (CD3 gamma subunit of T-cell receptor complex; plus strand), LOC126861358 (BRD4-independent group 4 enhancer GRCh37_chr11:118220212-118221411; plus strand). Cytogenetic location: 11q23.3.
Variant type: single nucleotide variant.
Coding change: c.245G>C on transcript NM_000073.3 (MANE Select); coding-DNA position 245, G replaced by C.
Protein change: p.Arg82Pro; replaces arginine 82 with proline.
Molecular consequence: missense variant.
Genome position (GRCh38, 1-based): chr11:118,349,908, G>C. VCF-style: chr11-118349908-G-C. GRCh37 (hg19) VCF-style: chr11-118220623-G-C.
Other names: short protein forms R82P.
Identifiers: ClinVar variation 1942058 (VCV001942058.5), dbSNP rs758764358, ClinGen allele CA382792732.
Genomic context (GRCh38, chr11:118,349,908, plus strand): 5'-TCGGCTTCCTAACTGAAGATAAAAAAAAATGGAATCTGGGAAGTAATGCCAAGGACCCTC[G>C]AGGGATGTATCAGTGTAAAGGATCACAGAACAAGTCAAAACCACTCCAAGTGTATTACAG-3'
Protein context (NP_000064.1, residues 72-92): WNLGSNAKDP[Arg82Pro]GMYQCKGSQN

ClinVar aggregate classification (germline): Uncertain significance (1 of 4 stars; one submission).

Conditions:
Combined immunodeficiency due to CD3gamma deficiency. Also called: Immunodeficiency 17; CD3-GAMMA DEFICIENCY; SCID-LIKE IMMUNODEFICIENCY, T CELL-PARTIAL, B CELL-POSITIVE, NK CELL-POSITIVE; Immunodeficiency 17, CD3 gamma deficient. Identifiers: Orphanet 169082, MedGen C3810107, MONDO:0014276, OMIM 615607.

gnomAD v4.1: 2 of 1,614,112 alleles (0.00012%); highest among the groups gnomAD compares: Non-Finnish European, 0.00017%; no homozygotes.

Submission:

Labcorp Genetics (formerly Invitae), Labcorp
Classification: Uncertain significance for Combined immunodeficiency due to CD3gamma deficiency. Last evaluated: 2024-12-09. Review status: criteria provided, single submitter. Criteria: Invitae Variant Classification Sherloc (09022015). Collection method: clinical testing. Allele origin: germline.
Comment: This sequence change replaces arginine, which is basic and polar, with proline, which is neutral and non-polar, at codon 82 of the CD3G protein (p.Arg82Pro). This variant is not present in population databases (gnomAD no frequency). This variant has not been reported in the literature in individuals affected with CD3G-related conditions. ClinVar contains an entry for this variant (Variation ID: 1942058). An algorithm developed to predict the effect of missense changes on protein structure and function (PolyPhen-2) suggests that this variant is likely to be disruptive. In summary, the available evidence is currently insufficient to determine the role of this variant in disease. Therefore, it has been classified as a Variant of Uncertain Significance.